The following is an entry in ClinVar:

NM_000135.4(FANCA):c.3389T>C (p.Ile1130Thr)

Genes: FANCA (FA complementation group A; minus strand), LOC132090450 (Neanderthal introgressed variant-containing enhancer experimental_46718; plus strand). Cytogenetic location: 16q24.3.
Variant type: single nucleotide variant.
Coding change: c.3389T>C on transcript NM_000135.4 (MANE Select); coding-DNA position 3389, T replaced by C.
Protein change: p.Ile1130Thr; replaces isoleucine 1130 with threonine.
Molecular consequence: missense variant.
Genome position (GRCh38, 1-based): chr16:89,746,850, A>G on the plus strand (T>C on the coding strand, the complement: FANCA is on the minus strand). VCF-style: chr16-89746850-A-G. GRCh37 (hg19) VCF-style: chr16-89813258-A-G.
Other names: c.3389T>C (NM_000135.3, NM_000135.2); c.3389T>C, p.Ile1130Thr (NM_001286167.3); short protein forms I1130T.
Identifiers: ClinVar variation 1420766 (VCV001420766.10), dbSNP rs2038408218, ClinGen allele CA397486079.

ClinVar aggregate classification (germline): Uncertain significance. Review status: criteria provided, multiple submitters, no conflicts (2 of 4 stars). 3 submissions from 3 submitters: Uncertain significance (3). Last evaluated 2025-11-18.

Conditions:
Inborn genetic diseases. Identifiers: MedGen C0950123, MeSH D030342.
Fanconi anemia (FA). Also called: Fanconi's anemia. Identifiers: Orphanet 84, MedGen C0015625, MeSH D005199, MONDO:0019391.

Allele frequency attached by ClinVar (database versions not stated): gnomAD exomes below 0.00001; gnomAD 0.00001.
gnomAD v4.1: 2 of 1,563,552 alleles (0.00013%); highest among the groups gnomAD compares: African/African-American, 0.0027%; no homozygotes.

Submissions (3):

Ambry Genetics
Classification: Uncertain significance for Inborn genetic diseases. Last evaluated: 2025-11-18. Review status: criteria provided, single submitter. Criteria: Ambry Variant Classification Scheme 2023. Collection method: clinical testing. Allele origin: germline.
Comment: The p.I1130T variant (also known as c.3389T>C), located in coding exon 34 of the FANCA gene, results from a T to C substitution at nucleotide position 3389. The isoleucine at codon 1130 is replaced by threonine, an amino acid with similar properties. This amino acid position is conserved. In addition, this alteration is predicted to be deleterious by in silico analysis. Based on the available evidence, the clinical significance of this variant remains unclear.

Quest Diagnostics Nichols Institute San Juan Capistrano
Classification: Uncertain significance. Last evaluated: 2025-02-11. Review status: criteria provided, single submitter. Criteria: Quest Diagnostics criteria. Collection method: clinical testing. Allele origin: unknown.
Comment: The FANCA c.3389T>C (p.Ile1130Thr) variant has not been reported in individuals with FANCA-related conditions in the published literature. The frequency of this variant in the general population (Genome Aggregation Database) is uninformative in the assessment of its pathogenicity. Analysis of this variant using bioinformatics tools for the prediction of the effect of amino acid changes on protein structure and function yielded conflicting predictions that this variant is benign or damaging. Based on the available information, we are unable to determine the clinical significance of this variant.

Labcorp Genetics (formerly Invitae), Labcorp
Classification: Uncertain significance for Fanconi anemia. Last evaluated: 2021-06-03. Review status: criteria provided, single submitter. Criteria: Invitae Variant Classification Sherloc (09022015). Collection method: clinical testing. Allele origin: germline.
Comment: This sequence change replaces isoleucine with threonine at codon 1130 of the FANCA protein (p.Ile1130Thr). The isoleucine residue is moderately conserved and there is a moderate physicochemical difference between isoleucine and threonine. This variant is not present in population databases (ExAC no frequency). This variant has not been reported in the literature in individuals with FANCA-related conditions. Algorithms developed to predict the effect of missense changes on protein structure and function are either unavailable or do not agree on the potential impact of this missense change (SIFT: "Deleterious"; PolyPhen-2: "Benign"; Align-GVGD: "Class C65"). In summary, the available evidence is currently insufficient to determine the role of this variant in disease. Therefore, it has been classified as a Variant of Uncertain Significance.